The following is an entry in ClinVar:

ClinVar aggregate classification (germline): Likely benign (1 of 4 stars; one submission).

Conditions:
Congenital microvillous atrophy (DIAR2). Also called: MICROVILLUS ATROPHY, CONGENITAL; Microvillus inclusion disease; DAVIDSON DISEASE; CONGENITAL FAMILIAL PROTRACTED DIARRHEA WITH ENTEROCYTE BRUSH-BORDER ABNORMALITIES; Diarrhea 2 with microvillus atrophy, with or without cholestasis. Identifiers: Orphanet 2290, MedGen C0341306, MONDO:0009635, OMIM 251850.

Allele frequency attached by ClinVar (database versions not stated): gnomAD 0.00027 and 0.00035; TOPMed 0.00054; 1000 Genomes Project 0.00060; 1000 Genomes Project 30x 0.00125.

Submission:

Illumina Laboratory Services, Illumina
Classification: Likely benign for Congenital microvillous atrophy. Last evaluated: 2018-01-13. Review status: criteria provided, single submitter. Criteria: ICSL Variant Classification Criteria 13 December 2019. Collection method: clinical testing. Allele origin: germline.
Comment: This variant was observed in the ICSL laboratory as part of a predisposition screen in an ostensibly healthy population. It had not been previously curated by ICSL or reported in the Human Gene Mutation Database (HGMD: prior to June 1st, 2018), and was therefore a candidate for classification through an automated scoring system. Utilizing variant allele frequency, disease prevalence and penetrance estimates, and inheritance mode, an automated score was calculated to assess if this variant is too frequent to cause the disease. Based on the score and internal cut-off values, a variant classified as likely benign is not then subjected to further curation. The score for this variant resulted in a classification of likely benign for this disease.

NM_001080467.3(MYO5B):c.*2571A>G

Genes: SNHG22 (small nucleolar RNA host gene 22; plus strand), MYO5B (myosin VB; minus strand). Cytogenetic location: 18q21.1.
Variant type: single nucleotide variant.
Coding change: c.*2571A>G on transcript NM_001080467.3 (MANE Select); 2571 bases downstream of the stop codon, A replaced by G.
Molecular consequence: 3 prime UTR variant.
Genome position (GRCh38, 1-based): chr18:49,823,900, T>C on the plus strand (A>G on the coding strand, the complement: MYO5B is on the minus strand). VCF-style: chr18-49823900-T-C. GRCh37 (hg19) VCF-style: chr18-47350270-T-C.
Identifiers: ClinVar variation 888774 (VCV000888774.4), dbSNP rs190516330, ClinGen allele CA299922772.